The following is an entry in ClinVar:

NM_001042492.3(NF1):c.3045G>A (p.Leu1015=)

Gene: NF1 (neurofibromin 1; plus strand). Cytogenetic location: 17q11.2.
Variant type: single nucleotide variant.
Coding change: c.3045G>A on transcript NM_001042492.3 (MANE Select); coding-DNA position 3045, G replaced by A.
Protein change: p.Leu1015=; no amino-acid change (leucine 1015 retained).
Molecular consequence: synonymous variant.
Genome position (GRCh38, 1-based): chr17:31,230,314, G>A. VCF-style: chr17-31230314-G-A. GRCh37 (hg19) VCF-style: chr17-29557332-G-A.
Other names: c.3045G>A, p.Leu1015= (NM_000267.4).
Identifiers: ClinVar variation 527644 (VCV000527644.16), dbSNP rs926335233, ClinGen allele CA289336789.

ClinVar aggregate classification (germline): Likely benign. Review status: criteria provided, multiple submitters, no conflicts (2 of 4 stars). 5 submissions from 5 submitters: Likely benign (5). Last evaluated 2025-12-09.

Conditions:
Neurofibromatosis, type 1 (NF1). Also called: VON RECKLINGHAUSEN DISEASE; NEUROFIBROMATOSIS, TYPE I, SOMATIC; Peripheral type neurofibromatosis; Neurofibromatosis, type I. Identifiers: Orphanet 636, MedGen C0027831, MONDO:0018975, OMIM 162200. Disease mechanism: loss of function.
Hereditary cancer-predisposing syndrome. Also called: Neoplastic Syndromes, Hereditary; Tumor predisposition; Hereditary neoplastic syndrome; Hereditary Cancer Syndrome. Identifiers: Orphanet 140162, MedGen C0027672, MeSH D009386, MONDO:0015356.
Cardiovascular phenotype. Identifiers: MedGen CN230736.

Allele frequency attached by ClinVar (database versions not stated): gnomAD exomes below 0.00001; gnomAD 0.00001; TOPMed 0.00001.
gnomAD v4.1: 3 of 1,613,360 alleles (0.00019%); highest among the groups gnomAD compares: African/African-American, 0.0027%; no homozygotes.

Submissions (5):

Labcorp Genetics (formerly Invitae), Labcorp
Classification: Likely benign for Neurofibromatosis, type 1. Last evaluated: 2025-12-09. Review status: criteria provided, single submitter. Criteria: Invitae Variant Classification Sherloc (09022015). Collection method: clinical testing. Allele origin: germline.

Genome-Nilou Lab
Classification: Likely benign for Neurofibromatosis, type 1. Last evaluated: 2022-03-15. Review status: criteria provided, single submitter. Criteria: ACMG Guidelines, 2015. Collection method: clinical testing. Allele origin: germline. Affected: no.

Sema4
Classification: Likely benign for Hereditary cancer-predisposing syndrome. Last evaluated: 2020-10-16. Review status: criteria provided, single submitter. Criteria: Sema4 Curation Guidelines. Collection method: curation. Allele origin: germline.

Ambry Genetics
Classification: Likely benign for Cardiovascular phenotype; Hereditary cancer-predisposing syndrome. Last evaluated: 2019-07-04. Review status: criteria provided, single submitter. Criteria: Ambry Variant Classification Scheme 2023. Collection method: clinical testing. Allele origin: germline.

GeneDx
Classification: Likely benign. Last evaluated: 2018-04-02. Review status: criteria provided, single submitter. Criteria: GeneDx Variant Classification (06012015). Collection method: clinical testing. Allele origin: germline. Affected: yes.
Comment: This variant is considered likely benign or benign based on one or more of the following criteria: it is a conservative change, it occurs at a poorly conserved position in the protein, it is predicted to be benign by multiple in silico algorithms, and/or has population frequency not consistent with disease.